The following is an entry in ClinVar:

NM_025137.4(SPG11):c.136C>T (p.Gln46Ter)

Gene: SPG11 (SPG11 vesicle trafficking associated, spatacsin; minus strand). Cytogenetic location: 15q21.1.
Variant type: single nucleotide variant.
Coding change: c.136C>T on transcript NM_025137.4 (MANE Select); coding-DNA position 136, C replaced by T.
Protein change: p.Gln46Ter; replaces glutamine 46 with a stop codon.
Molecular consequence: nonsense.
Genome position (GRCh38, 1-based): chr15:44,663,512, G>A on the plus strand (C>T on the coding strand, the complement: SPG11 is on the minus strand). VCF-style: chr15-44663512-G-A. GRCh37 (hg19) VCF-style: chr15-44955710-G-A.
Other names: c.136C>T, p.Gln46Ter (NM_001160227.2, NM_001411132.1); short protein forms Q46*.
Identifiers: ClinVar variation 2418861 (VCV002418861.6), dbSNP rs1038146319, ClinGen allele CA270113784.

ClinVar aggregate classification (germline): Pathogenic (1 of 4 stars; one submission).

Conditions:
Hereditary spastic paraplegia 11. Also called: Spastic paraplegia, mental retardation and thin corpus callosum; SPASTIC PARAPLEGIA, AUTOSOMAL RECESSIVE, COMPLICATED, WITH THIN CORPUS CALLOSUM; SPASTIC PARAPLEGIA, AUTOSOMAL RECESSIVE, WITH MENTAL IMPAIRMENT AND THIN CORPUS CALLOSUM; Spastic Paraplegia 11; Nakamura Osame syndrome; Autosomal recessive hereditary spastic paraplegia, mental impairment, and thin corpus callosum. Identifiers: Orphanet 2822, MedGen C1858479, MONDO:0011445, OMIM 604360.

Allele frequency attached by ClinVar (database versions not stated): TOPMed below 0.00001; gnomAD 0.00001.
gnomAD v4.1: 4 of 1,594,920 alleles (0.00025%); highest among the groups gnomAD compares: African/African-American, 0.0013%; no homozygotes.

Submission:

Labcorp Genetics (formerly Invitae), Labcorp
Classification: Pathogenic for Hereditary spastic paraplegia 11. Last evaluated: 2026-01-14. Review status: criteria provided, single submitter. Criteria: Invitae Variant Classification Sherloc (09022015). Collection method: clinical testing. Allele origin: germline.
Comment: This sequence change creates a premature translational stop signal (p.Gln46*) in the SPG11 gene. It is expected to result in an absent or disrupted protein product. Loss-of-function variants in SPG11 are known to be pathogenic (PMID: 19105190, 20110243, 22154821, 26556829). This variant is not present in population databases (gnomAD no frequency). This variant has not been reported in the literature in individuals affected with SPG11-related conditions. ClinVar contains an entry for this variant (Variation ID: 2418861). For these reasons, this variant has been classified as Pathogenic.

Literature cited by the submitters: PubMed 19105190; PubMed 20110243; PubMed 22154821; PubMed 26556829.